The following is an entry in ClinVar:

ClinVar aggregate classification (germline): Pathogenic (1 of 4 stars; one submission).

Submission:

Labcorp Genetics (formerly Invitae), Labcorp
Classification: Pathogenic. Last evaluated: 2023-11-08. Review status: criteria provided, single submitter. Criteria: Invitae Variant Classification Sherloc (09022015). Collection method: clinical testing. Allele origin: germline.
Comment: This sequence change creates a premature translational stop signal (p.Trp9*) in the ITGB4 gene. It is expected to result in an absent or disrupted protein product. Loss-of-function variants in ITGB4 are known to be pathogenic (PMID: 11328943, 16473856). This variant is not present in population databases (gnomAD no frequency). This variant has not been reported in the literature in individuals affected with ITGB4-related conditions. For these reasons, this variant has been classified as Pathogenic.

Literature cited by the submitters: PubMed 11328943; PubMed 16473856.

NM_000213.5(ITGB4):c.26G>A (p.Trp9Ter)

Gene: ITGB4 (integrin subunit beta 4; plus strand). Cytogenetic location: 17q25.1.
Variant type: single nucleotide variant.
Coding change: c.26G>A on transcript NM_000213.5 (MANE Select); coding-DNA position 26, G replaced by A.
Protein change: p.Trp9Ter; replaces tryptophan 9 with a stop codon.
Molecular consequence: nonsense.
Genome position (GRCh38, 1-based): chr17:75,724,729, G>A. VCF-style: chr17-75724729-G-A. GRCh37 (hg19) VCF-style: chr17-73720809-G-A.
Other names: c.26G>A, p.Trp9Ter (NM_001005619.2, NM_001005731.3, NM_001321123.2); short protein forms W9*.
Identifiers: ClinVar variation 2694300 (VCV002694300.3), dbSNP rs2545709621, ClinGen allele CA401062671.